The following is an entry in ClinVar:

ClinVar aggregate classification (germline): Pathogenic/Likely pathogenic. Review status: criteria provided, multiple submitters, no conflicts (2 of 4 stars). 2 submissions from 2 submitters: Pathogenic (1); Likely pathogenic (1). Last evaluated 2022-01-04.

Conditions:
Nemaline myopathy 2 (NEM2). Also called: Nemaline myopathy 2, autosomal recessive. Identifiers: MedGen C1850569, MONDO:0009725, OMIM 256030.

Submissions (2):

Labcorp Genetics (formerly Invitae), Labcorp
Classification: Pathogenic for Nemaline myopathy 2. Last evaluated: 2022-01-04. Review status: criteria provided, single submitter. Criteria: Invitae Variant Classification Sherloc (09022015). Collection method: clinical testing. Allele origin: germline.
Comment: This sequence change creates a premature translational stop signal (p.Lys7756Glufs*4) in the NEB gene. It is expected to result in an absent or disrupted protein product. Loss-of-function variants in NEB are known to be pathogenic (PMID: 25205138). This variant is not present in population databases (gnomAD no frequency). This variant has not been reported in the literature in individuals affected with NEB-related conditions. For these reasons, this variant has been classified as Pathogenic.

Myriad Genetics, Inc.
Classification: Likely pathogenic for Nemaline myopathy 2. Last evaluated: 2021-12-24. Review status: criteria provided, single submitter. Criteria: Myriad Women's Health Autosomal Recessive and X-Linked Classification Criteria (2021). Collection method: clinical testing. Allele origin: unknown.
Comment: NM_001271208.1(NEB):c.23266_23269delAAAG(K7756Efs*4) is expected to be pathogenic in the context of NEB-related nemaline myopathy. This variant is predicted to lead to an abnormal or absent protein product due to the creation of a premature termination codon in NEB, a gene where loss-of-function variants are known to be pathogenic. Please note: this variant was assessed in the context of healthy population screening.

Literature cited by the submitters: PubMed 25205138 (cited by Labcorp Genetics (formerly Invitae), Labcorp).

NM_001164508.2(NEB):c.23161_23164del (p.Lys7721fs)

Genes: NEB (nebulin; minus strand), RIF1 (replication timing regulatory factor 1; plus strand). Cytogenetic location: 2q23.3.
Variant type: Deletion.
Coding change: c.23161_23164del on transcript NM_001164508.2 (MANE Select); coding-DNA positions 23161 to 23164, 4 bases deleted (AAAG; older notation c.23161_23164delAAAG).
Protein change: p.Lys7721fs; shifts the reading frame from lysine 7721.
Molecular consequence: frameshift variant.
Genome position (GRCh38, 1-based): chr2:151,513,657-151,513,660, CTTT deleted on the plus strand (AAAG on the coding strand, the reverse complement: NEB is on the minus strand). VCF-style (leftmost placement, unchanged base first): chr2-151513656-CCTTT-C. GRCh37 (hg19) VCF-style: chr2-152370170-CCTTT-C.
Other names: c.23161_23164del, p.Lys7721fs (NM_001164507.2); c.23266_23269del, p.Lys7756fs (NM_001271208.2); c.18058_18061del, p.Lys6020fs (NM_004543.5); short protein forms K6020fs, K7721fs, K7756fs.
Identifiers: ClinVar variation 1726579 (VCV001726579.7), dbSNP rs2552076658, ClinGen allele CA2580063934.
Genomic context (GRCh38, chr2:151,513,656, plus strand): 5'-GTAGCATTCCTGGCCCTCATAAAATCCGGAGTTTCATTGGCCATGGCATTCAGGCCTCTT[CCTTT>C]GACTTCCAGTTCCAGGTCTCGCTTATATTCTTTCTATAGTAGCATTAAAAGAAAAAAAAA-3'